The following is an entry in ClinVar:

NM_022065.5(THADA):c.5482C>T (p.Leu1828=)

Gene: THADA (THADA armadillo repeat containing; minus strand). Cytogenetic location: 2p21.
Variant type: single nucleotide variant.
Coding change: c.5482C>T on transcript NM_022065.5 (MANE Select); coding-DNA position 5482, C replaced by T.
Protein change: p.Leu1828=; no amino-acid change (leucine 1828 retained).
Molecular consequence: synonymous variant. On other transcripts: non-coding transcript variant (2).
Genome position (GRCh38, 1-based): chr2:43,231,328, G>A on the plus strand (C>T on the coding strand, the complement: THADA is on the minus strand). VCF-style: chr2-43231328-G-A. GRCh37 (hg19) VCF-style: chr2-43458467-G-A.
Other names: c.5482C>T, p.Leu1828= (NM_001083953.2, NM_001345925.2); c.5479C>T, p.Leu1827= (NM_001345923.2); c.5359C>T, p.Leu1787= (NM_001345924.2); c.*1553C>T (NM_198554.1).
Identifiers: ClinVar variation 3043565 (VCV003043565.2), dbSNP rs746973767, ClinGen allele CA1631873.

ClinVar aggregate classification (germline): Likely benign (0 of 4 stars; one submission).

Conditions:
THADA-related disorder. Also called: THADA-related condition.

Allele frequency attached by ClinVar (database versions not stated): gnomAD 0.00005; TOPMed 0.00006; ExAC 0.00015; gnomAD exomes 0.00015.
gnomAD v4.1: 217 of 1,551,372 alleles (0.014%); highest among the groups gnomAD compares: Non-Finnish European, 0.018%; no homozygotes.

Submission:

PreventionGenetics, part of Exact Sciences
Classification: Likely benign for THADA-related condition. Last evaluated: 2019-07-01. Review status: no assertion criteria provided. Collection method: clinical testing. Allele origin: germline.
Comment: This variant is classified as likely benign based on ACMG/AMP sequence variant interpretation guidelines (Richards et al. 2015 PMID: 25741868, with internal and published modifications).